The following is an entry in ClinVar:

ClinVar aggregate classification (germline): Conflicting classifications of pathogenicity. Review status: criteria provided, conflicting classifications (1 of 4 stars). 10 submissions from 10 submitters: Pathogenic (3); Likely pathogenic (6); Uncertain significance (1). Last evaluated 2026-05-25.

Conditions:
PKD1-related disorder. Also called: PKD1-related condition.
Autosomal dominant polycystic kidney disease. Identifiers: Orphanet 730, MedGen C0085413, MONDO:0004691.
Polycystic kidney disease, adult type (PKD1). Also called: POLYCYSTIC KIDNEY DISEASE, ADULT, TYPE I; Polycystic Kidney, Autosomal Dominant; POLYCYSTIC KIDNEY DISEASE 1 WITH OR WITHOUT POLYCYSTIC LIVER DISEASE; Polycystic Kidney Disease 1, Autosomal Dominant; Polycystic kidney disease 1; Polycystic kidney disease 1, severe. Identifiers: MedGen C3149841, MONDO:0008263, OMIM 173900.

Submissions (10):

PreventionGenetics, part of Exact Sciences
Classification: Pathogenic for PKD1-related condition. Last evaluated: 2026-05-25. Review status: criteria provided, single submitter. Criteria: ACMG Guidelines, 2015. Collection method: clinical testing. Allele origin: germline.
Comment: The PKD1 c.1295C>T variant is predicted to result in the amino acid substitution p.Ala432Val. This variant has been widely reported in individuals with polycystic kidney disease (PKD) (see for example, Rossetti et al. 2007. PubMed ID: 17582161; Suppl. Table 2, Jin et al. 2016. PubMed ID: 27782177; Vaisitti et al. 2020. PubMed ID: 33226606; Kim et al. 2021. PubMed ID: 32816041; Suppl. Table 2, Yu et al. 2022. PubMed ID: 35778421). This variant has not been reported in a large population database (gnomAD), indicating this variant is rare. This variant is interpreted as pathogenic.

CeGaT Center for Human Genetics Tuebingen
Classification: Likely pathogenic. Last evaluated: 2026-01-01. Review status: criteria provided, single submitter. Criteria: CeGaT Center For Human Genetics Tuebingen Variant Classification Criteria Version 2. Collection method: clinical testing. Allele origin: germline. Affected: yes. Observed: 1 variant allele.
Comment: PKD1: PS4, PM2, PP4

Medical and Scientific Branch, Hong Kong Genome Institute
Classification: Likely pathogenic for Polycystic kidney disease, adult type. Last evaluated: 2025-12-11. Review status: criteria provided, single submitter. Criteria: ACMG Guidelines, 2015. Collection method: clinical testing. Allele origin: germline. Affected: yes.

Victorian Clinical Genetics Services, Murdoch Childrens Research Institute
Classification: Pathogenic for Polycystic kidney disease, adult type. Last evaluated: 2025-08-26. Review status: criteria provided, single submitter. Criteria: ACMG Guidelines, 2015. Collection method: clinical testing. Allele origin: germline.
Comment: This variant is classified as Pathogenic. Evidence in support of pathogenic classification: Variant is absent from gnomAD (both v2 and v3); This variant has very strong previous evidence of pathogenicity in unrelated individuals. It has been regarded as a VUS and likely pathogenic in ClinVar. In addition, it has been detected in multiple individuals with ADPKD from various ethnicities (ADPKD database, PMIDs: 17582161, 32457805, 32816041, 35778421); This variant has moderate evidence for segregation with disease. It has been shown to segregate with disease in five other affected individuals in this family; Another missense variant comparable to the one identified in this case has limited previous evidence for pathogenicity. p.(Ala432Thr) has been regarded as a likely pathogenic variant and detected in families with autosomal dominant polycystic kidney disease (ClinVar, ADPKD database). Additional information: Variant is predicted to result in a missense amino acid change from alanine to valine; This variant is heterozygous; This gene is associated with autosomal dominant disease. Polycystic kidney disease 1 (MIM#173900) is predominantly caused by monoallelic variants, with rare reports of biallelic variants causing disease (OMIM); Variant is located in the annotated lectin C-type domain (DECIPHER); Missense variant with conflicting in silico predictions and uninformative conservation; Loss of function is a known mechanism of disease in this gene and is associated with polycystic kidney disease 1 (MIM#173900); Inheritance information for this variant is not currently available in this individual.

Laboratory of Genetics, Children's Clinical University Hospital Latvia
Classification: Pathogenic. Last evaluated: 2025-02-16. Review status: criteria provided, single submitter. Criteria: ACMG Guidelines, 2015. Collection method: clinical testing. Allele origin: germline. Affected: yes.

Fulgent Genetics
Classification: Likely pathogenic for Polycystic kidney disease, adult type. Last evaluated: 2024-03-11. Review status: criteria provided, single submitter. Criteria: ACMG Guidelines, 2015. Collection method: clinical testing. Allele origin: germline.

Molecular Genetics, Royal Melbourne Hospital
Classification: Likely pathogenic for Autosomal dominant polycystic kidney disease. Last evaluated: 2023-11-05. Review status: criteria provided, single submitter. Criteria: ACMG Guidelines, 2015. Collection method: clinical testing. Allele origin: germline. Inheritance: Autosomal dominant inheritance. Affected: yes.
Comment: This sequence change in PKD1 is predicted to replace alanine with valine at codon 432, p.(Ala432Val). The alanine residue is highly conserved (100 vertebrates, UCSC), and is located in the C-type lectin domain in a region, amino acids 431-437, that is highly intolerant to missense variation (PMID: 28815929). There is a moderate physicochemical difference between alanine and valine. This variant is absent from the population database gnomAD v2.1 and v3.1. This variant has been reported in multiple probands from different populations with a clinical diagnosis of autosomal dominant polycystic kidney disease (PMID: 17582161, 26453610, 27499327, 27782177, 32457805, 32816041, 33226606, 33939064, 35778421). Computational evidence is uninformative for the missense substitution (REVEL = 0.535). Based on the classification scheme RMH Modified ACMG/AMP Guidelines v1.6.1, this variant is classified as LIKELY PATHOGENIC. Following criteria are met: PS4, PM1, PM2_Supporting.

GeneDx
Classification: Uncertain significance. Last evaluated: 2022-06-30. Review status: criteria provided, single submitter. Criteria: GeneDx Variant Classification Process June 2021. Collection method: clinical testing. Allele origin: germline. Affected: yes.
Comment: Not observed at significant frequency in large population cohorts (gnomAD); In silico analysis supports that this missense variant does not alter protein structure/function; This variant is associated with the following publications: (PMID: 17582161, 33226606, 32816041, 27782177)

Department of Pathology and Laboratory Medicine, Sinai Health System
Classification: Likely pathogenic for Polycystic kidney disease, adult type. Last evaluated: 2021-05-04. Review status: criteria provided, single submitter. Criteria: ACMG Guidelines, 2015. Collection method: clinical testing. Allele origin: germline. Affected: yes.

Blueprint Genetics
Classification: Likely pathogenic for PKD1-related disorders. Last evaluated: 2018-04-19. Review status: criteria provided, single submitter. Criteria: ACMG Guidelines, 2015. Collection method: clinical testing. Allele origin: germline. Affected: yes. Observed: 4 variant alleles.

Literature cited by the submitters: PubMed 17582161 (cited by 3 submitters); PubMed 35778421 (cited by Victorian Clinical Genetics Services, Murdoch Childrens Research Institute and Molecular Genetics, Royal Melbourne Hospital); PubMed 32457805 (cited by Victorian Clinical Genetics Services, Murdoch Childrens Research Institute and Molecular Genetics, Royal Melbourne Hospital); PubMed 32816041 (cited by Victorian Clinical Genetics Services, Murdoch Childrens Research Institute and Molecular Genetics, Royal Melbourne Hospital); PubMed 26453610 (cited by Molecular Genetics, Royal Melbourne Hospital); PubMed 27499327 (cited by Molecular Genetics, Royal Melbourne Hospital); PubMed 27782177 (cited by Molecular Genetics, Royal Melbourne Hospital); PubMed 28815929 (cited by Molecular Genetics, Royal Melbourne Hospital); PubMed 33226606 (cited by Molecular Genetics, Royal Melbourne Hospital); PubMed 33939064 (cited by Molecular Genetics, Royal Melbourne Hospital); PubMed 27742177 (cited by Department of Pathology and Laboratory Medicine, Sinai Health System).

NM_001009944.3(PKD1):c.1295C>T (p.Ala432Val)

Gene: PKD1 (polycystin 1, transient receptor potential channel interacting; minus strand). Cytogenetic location: 16p13.3.
Variant type: single nucleotide variant.
Coding change: c.1295C>T on transcript NM_001009944.3 (MANE Select); coding-DNA position 1295, C replaced by T.
Protein change: p.Ala432Val; replaces alanine 432 with valine.
Molecular consequence: missense variant.
Genome position (GRCh38, 1-based): chr16:2,117,579, G>A on the plus strand (C>T on the coding strand, the complement: PKD1 is on the minus strand). VCF-style: chr16-2117579-G-A. GRCh37 (hg19) VCF-style: chr16-2167580-G-A.
Other names: c.1295C>T, p.Ala432Val (NM_000296.4); short protein forms A432V.
Identifiers: ClinVar variation 636617 (VCV000636617.18), dbSNP rs1060499699, ClinGen allele CA394392620.